The following is an entry in ClinVar:

NM_001083961.2(WDR62):c.1370A>G (p.Asn457Ser)

Gene: WDR62 (WD repeat domain 62; plus strand). Cytogenetic location: 19q13.12.
Variant type: single nucleotide variant.
Coding change: c.1370A>G on transcript NM_001083961.2 (MANE Select); coding-DNA position 1370, A replaced by G.
Protein change: p.Asn457Ser; replaces asparagine 457 with serine.
Molecular consequence: missense variant.
Genome position (GRCh38, 1-based): chr19:36,081,569, A>G. VCF-style: chr19-36081569-A-G. GRCh37 (hg19) VCF-style: chr19-36572471-A-G.
Other names: c.1355A>G, p.Asn452Ser (NM_001411145.1); c.1370A>G, p.Asn457Ser (NM_001411146.1, NM_173636.5); c.1019A>G, p.Asn340Ser (NM_001411147.1); c.1370A>G (NM_001083961.1); short protein forms N340S, N457S, N452S.
Identifiers: ClinVar variation 1899536 (VCV001899536.7), dbSNP rs1037780257, ClinGen allele CA307861066.

ClinVar aggregate classification (germline): Uncertain significance. Review status: criteria provided, multiple submitters, no conflicts (2 of 4 stars). 3 submissions from 3 submitters: Uncertain significance (3). Last evaluated 2025-07-21.

Conditions:
Inborn genetic diseases. Identifiers: MedGen C0950123, MeSH D030342.

Allele frequency attached by ClinVar (database versions not stated): gnomAD exomes below 0.00001; TOPMed 0.00001.
gnomAD v4.1: 2 of 1,614,234 alleles (0.00012%); highest among the groups gnomAD compares: African/African-American, 0.0027%; no homozygotes.

Submissions (3):

Labcorp Genetics (formerly Invitae), Labcorp
Classification: Uncertain significance. Last evaluated: 2025-07-21. Review status: criteria provided, single submitter. Criteria: Invitae Variant Classification Sherloc (09022015). Collection method: clinical testing. Allele origin: germline.
Comment: This sequence change replaces asparagine, which is neutral and polar, with serine, which is neutral and polar, at codon 457 of the WDR62 protein (p.Asn457Ser). This variant is not present in population databases (gnomAD no frequency). This variant has not been reported in the literature in individuals affected with WDR62-related conditions. ClinVar contains an entry for this variant (Variation ID: 1899536). An algorithm developed to predict the effect of missense changes on protein structure and function outputs the following: PolyPhen-2: "Benign". The serine amino acid residue is found in multiple mammalian species, which suggests that this missense change does not adversely affect protein function. In summary, the available evidence is currently insufficient to determine the role of this variant in disease. Therefore, it has been classified as a Variant of Uncertain Significance.

Ambry Genetics
Classification: Uncertain significance for Inborn genetic diseases. Last evaluated: 2024-09-24. Review status: criteria provided, single submitter. Criteria: Ambry Variant Classification Scheme 2023. Collection method: clinical testing. Allele origin: germline.

Blueprint Genetics
Classification: Uncertain significance. Last evaluated: 2023-08-10. Review status: criteria provided, single submitter. Criteria: ACMG Guidelines, 2015. Collection method: clinical testing. Allele origin: germline.